The following is an entry in ClinVar:

NM_001329943.3(KIAA0586):c.65G>C (p.Arg22Pro)

Gene: KIAA0586 (KIAA0586; plus strand). Cytogenetic location: 14q23.1.
Variant type: single nucleotide variant.
Coding change: c.65G>C on transcript NM_001329943.3 (MANE Select); coding-DNA position 65, G replaced by C.
Protein change: p.Arg22Pro; replaces arginine 22 with proline.
Molecular consequence: missense variant. On other transcripts: intron variant (5).
Genome position (GRCh38, 1-based): chr14:58,428,329, G>C. VCF-style: chr14-58428329-G-C. GRCh37 (hg19) VCF-style: chr14-58895047-G-C.
Other names: c.101G>C, p.Arg34Pro (NM_001244189.2); c.20G>C, p.Arg7Pro (NM_001244190.2); c.65G>C, p.Arg22Pro (NM_001329944.2, NM_001329946.2, NM_001329947.2 and 1 more transcripts); c.-57+692G>C (NM_001244192.2, NM_001244191.2); c.-57+516G>C (NM_001364701.2, NM_001329945.2, NM_001364700.1); short protein forms R22P, R34P, R7P.
Identifiers: ClinVar variation 2004985 (VCV002004985.4), dbSNP rs745590887, ClinGen allele CA389859054.

ClinVar aggregate classification (germline): Uncertain significance (1 of 4 stars; one submission).

Conditions:
Short-rib thoracic dysplasia 14 with polydactyly (SRTD14). Identifiers: Orphanet 397715, MedGen C4225286, MONDO:0014688, OMIM 616546.
Joubert syndrome 23 (JBTS23). Identifiers: Orphanet 475, MedGen C4084822, MONDO:0014664, OMIM 616490.

Submission:

Labcorp Genetics (formerly Invitae), Labcorp
Classification: Uncertain significance for Joubert syndrome 23; Short-rib thoracic dysplasia 14 with polydactyly. Last evaluated: 2022-06-17. Review status: criteria provided, single submitter. Criteria: Invitae Variant Classification Sherloc (09022015). Collection method: clinical testing. Allele origin: germline.
Comment: In summary, the available evidence is currently insufficient to determine the role of this variant in disease. Therefore, it has been classified as a Variant of Uncertain Significance. Algorithms developed to predict the effect of missense changes on protein structure and function are either unavailable or do not agree on the potential impact of this missense change (SIFT: "Deleterious"; PolyPhen-2: "Probably Damaging"; Align-GVGD: "Class C0"). This variant has not been reported in the literature in individuals affected with KIAA0586-related conditions. This variant is not present in population databases (gnomAD no frequency). This sequence change replaces arginine, which is basic and polar, with proline, which is neutral and non-polar, at codon 34 of the KIAA0586 protein (p.Arg34Pro).